The following is an entry in ClinVar:

ClinVar aggregate classification (germline): Uncertain significance (1 of 4 stars; one submission).

Conditions:
Hereditary cancer-predisposing syndrome. Also called: Neoplastic Syndromes, Hereditary; Hereditary Cancer Syndrome; Tumor predisposition; Hereditary neoplastic syndrome. Identifiers: Orphanet 140162, MedGen C0027672, MeSH D009386, MONDO:0015356.

Submission:

Labcorp Genetics (formerly Invitae), Labcorp
Classification: Uncertain significance for Hereditary cancer-predisposing syndrome. Last evaluated: 2022-01-18. Review status: criteria provided, single submitter. Criteria: Invitae Variant Classification Sherloc (09022015). Collection method: clinical testing. Allele origin: germline.
Comment: This sequence change creates a premature translational stop signal (p.Ser1297*) in the RAD50 gene. While this is not anticipated to result in nonsense mediated decay, it is expected to disrupt the last 16 amino acid(s) of the RAD50 protein. This variant is not present in population databases (gnomAD no frequency). This variant has not been reported in the literature in individuals affected with RAD50-related conditions. Experimental studies and prediction algorithms are not available or were not evaluated, and the functional significance of this variant is currently unknown. In summary, the available evidence is currently insufficient to determine the role of this variant in disease. Therefore, it has been classified as a Variant of Uncertain Significance.

NM_005732.4(RAD50):c.3890C>G (p.Ser1297Ter)

Genes: RAD50 (RAD50 double strand break repair protein; plus strand), TH2LCRR (T helper type 2 locus control region associated RNA; minus strand). Cytogenetic location: 5q31.1.
Variant type: single nucleotide variant.
Coding change: c.3890C>G on transcript NM_005732.4 (MANE Select); coding-DNA position 3890, C replaced by G.
Protein change: p.Ser1297Ter; replaces serine 1297 with a stop codon.
Molecular consequence: nonsense.
Genome position (GRCh38, 1-based): chr5:132,642,315, C>G. VCF-style: chr5-132642315-C-G. GRCh37 (hg19) VCF-style: chr5-131978007-C-G.
Other names: short protein forms S1297*.
Identifiers: ClinVar variation 2072871 (VCV002072871.4), dbSNP rs2149867051, ClinGen allele CA360937264.